The following is an entry in ClinVar:

NM_000593.6(TAP1):c.1903+4C>A

Gene: TAP1 (transporter 1, ATP binding cassette subfamily B member; minus strand). Cytogenetic location: 6p21.32.
Variant type: single nucleotide variant.
Coding change: c.1903+4C>A on transcript NM_000593.6 (MANE Select); 4 bases into the intron after coding-DNA position 1903, C replaced by A.
Molecular consequence: intron variant.
Genome position (GRCh38, 1-based): chr6:32,847,509, G>T on the plus strand (C>A on the coding strand, the complement: TAP1 is on the minus strand). VCF-style: chr6-32847509-G-T. GRCh37 (hg19) VCF-style: chr6-32815286-G-T.
Other names: c.1300+4C>A (NM_001292022.2).
Identifiers: ClinVar variation 945702 (VCV000945702.1), dbSNP rs781107294, ClinGen allele CA1139659485.
Genomic context (GRCh38, chr6:32,847,509, plus strand): 5'-CAAGACTACTGGGGTTTCAGCAAAGGTAAAGATGGCTGGGTGGTGAGATGAGTGGAGAGA[G>T]TACCTGTGTCATAGCCCTGAGGGAGTCCAGAGATGAAACTATGGGCCCCAGACTTTACTG-3'

ClinVar aggregate classification (germline): Uncertain significance (1 of 4 stars; one submission).

Conditions:
MHC class I deficiency. Identifiers: Orphanet 34592, MedGen C6024714, MONDO:0011476.

Submission:

Labcorp Genetics (formerly Invitae), Labcorp
Classification: Uncertain significance for Bare lymphocyte syndrome type 1. Last evaluated: 2019-04-08. Review status: criteria provided, single submitter. Criteria: Invitae Variant Classification Sherloc (09022015). Collection method: clinical testing. Allele origin: germline.
Comment: This sequence change falls in intron 9 of the TAP1 gene. It does not directly change the encoded amino acid sequence of the TAP1 protein, but it affects a nucleotide within the consensus splice site of the intron. This variant is not present in population databases (ExAC no frequency). This variant has not been reported in the literature in individuals with TAP1-related conditions. Nucleotide substitutions within the consensus splice site are a relatively common cause of aberrant splicing (PMID: 17576681, 9536098). Algorithms developed to predict the effect of sequence changes on RNA splicing suggest that this variant is not likely to affect RNA splicing, but this prediction has not been confirmed by published transcriptional studies. In summary, the available evidence is currently insufficient to determine the role of this variant in disease. Therefore, it has been classified as a Variant of Uncertain Significance.